The following is an entry in ClinVar:

ClinVar aggregate classification (germline): Likely benign. Review status: criteria provided, multiple submitters, no conflicts (2 of 4 stars). 9 submissions from 9 submitters: Likely benign (7). 2 of the submissions do not count toward it. Last evaluated 2026-07-01.

Allele frequency attached by ClinVar (database versions not stated): 1000 Genomes Project 0.00100; ESP Exome Variant Server 0.00104; gnomAD 0.00106 and 0.00108; 1000 Genomes Project 30x 0.00109; ExAC 0.00126; TOPMed 0.00131; gnomAD exomes 0.00099.
gnomAD v4.1: 2,512 of 1,612,118 alleles (0.16%); highest among the groups gnomAD compares: Non-Finnish European, 0.19%; 3 homozygotes.

Submissions (9):

CeGaT Center for Human Genetics Tuebingen
Classification: Likely benign. Last evaluated: 2026-07-01. Review status: criteria provided, single submitter. Criteria: CeGaT Center For Human Genetics Tuebingen Variant Classification Criteria Version 2. Collection method: clinical testing. Allele origin: germline. Affected: yes. Observed: 3 variant alleles.
Comment: COL18A1: BP4, BP7

Women's Health and Genetics/Laboratory Corporation of America, LabCorp
Classification: Likely benign. Last evaluated: 2026-05-08. Review status: criteria provided, single submitter. Criteria: LabCorp Variant Classification Summary - May 2015. Collection method: clinical testing. Allele origin: germline.

Labcorp Genetics (formerly Invitae), Labcorp
Classification: Likely benign. Last evaluated: 2026-01-28. Review status: criteria provided, single submitter. Criteria: Invitae Variant Classification Sherloc (09022015). Collection method: clinical testing. Allele origin: germline.

Blueprint Genetics
Classification: Likely benign. Last evaluated: 2024-10-21. Review status: criteria provided, single submitter. Criteria: ACMG Guidelines, 2015. Collection method: clinical testing. Allele origin: germline.

Genetic Services Laboratory, University of Chicago
Classification: Likely benign. Last evaluated: 2018-08-13. Review status: criteria provided, single submitter. Criteria: ACMG Guidelines, 2015. Collection method: clinical testing. Allele origin: germline. Affected: no.

Athena Diagnostics
Classification: Likely benign. Last evaluated: 2016-11-09. Review status: criteria provided, single submitter. Criteria: Athena Diagnostics Criteria. Collection method: clinical testing. Allele origin: germline.

Breakthrough Genomics
Classification: Likely benign. Review status: criteria provided, single submitter. Criteria: ACMG Guidelines, 2015. Collection method: not provided. Allele origin: germline. Inheritance: Autosomal recessive inheritance. Affected: yes.

Clinical Genetics DNA and cytogenetics Diagnostics Lab, Erasmus MC, Erasmus Medical Center
Classification: Likely benign. Review status: no assertion criteria provided. Collection method: clinical testing. Allele origin: germline. Affected: yes. Study: VKGL Data-share Consensus. Not counted in ClinVar's aggregate classification.

Clinical Genetics, Academic Medical Center
Classification: Benign. Review status: no assertion criteria provided. Collection method: clinical testing. Allele origin: germline. Affected: yes. Study: VKGL Data-share Consensus. Not counted in ClinVar's aggregate classification.

NM_001379500.1(COL18A1):c.3837G>A (p.Ser1279=)

Genes: COL18A1 (collagen type XVIII alpha 1 chain; plus strand), SLC19A1 (solute carrier family 19 member 1; minus strand). Cytogenetic location: 21q22.3.
Variant type: single nucleotide variant.
Coding change: c.3837G>A on transcript NM_001379500.1 (MANE Select); coding-DNA position 3837, G replaced by A.
Protein change: p.Ser1279=; no amino-acid change (serine 1279 retained).
Molecular consequence: synonymous variant.
Genome position (GRCh38, 1-based): chr21:45,512,215, G>A. VCF-style: chr21-45512215-G-A. GRCh37 (hg19) VCF-style: chr21-46932129-G-A.
Other names: NM_130445.2:c.3828G>A; c.4368G>A, p.Ser1456= (NM_030582.4); c.5073G>A, p.Ser1691= (NM_130444.3).
Identifiers: ClinVar variation 447130 (VCV000447130.44), dbSNP rs113315760, ClinGen allele CA10068110.